The following is an entry in ClinVar:

NM_003235.5(TG):c.4697T>A (p.Leu1566Ter)

Gene: TG (thyroglobulin; plus strand). Cytogenetic location: 8q24.22.
Variant type: single nucleotide variant.
Coding change: c.4697T>A on transcript NM_003235.5 (MANE Select); coding-DNA position 4697, T replaced by A.
Protein change: p.Leu1566Ter; replaces leucine 1566 with a stop codon.
Molecular consequence: nonsense.
Genome position (GRCh38, 1-based): chr8:132,923,506, T>A. VCF-style: chr8-132923506-T-A. GRCh37 (hg19) VCF-style: chr8-133935751-T-A.
Other names: short protein forms L1566*.
Identifiers: ClinVar variation 2802491 (VCV002802491.3), dbSNP rs1821395350, ClinGen allele CA372248259.

ClinVar aggregate classification (germline): Pathogenic (1 of 4 stars; one submission).

Allele frequency attached by ClinVar (database versions not stated): TOPMed 0.00001.

Submission:

Labcorp Genetics (formerly Invitae), Labcorp
Classification: Pathogenic. Last evaluated: 2023-07-02. Review status: criteria provided, single submitter. Criteria: Invitae Variant Classification Sherloc (09022015). Collection method: clinical testing. Allele origin: germline.
Comment: This sequence change creates a premature translational stop signal (p.Leu1566*) in the TG gene. It is expected to result in an absent or disrupted protein product. Loss-of-function variants in TG are known to be pathogenic (PMID: 19837936, 23164529). This variant is not present in population databases (gnomAD no frequency). This variant has not been reported in the literature in individuals affected with TG-related conditions. Algorithms developed to predict the effect of sequence changes on RNA splicing suggest that this variant may disrupt the consensus splice site. For these reasons, this variant has been classified as Pathogenic.

Literature cited by the submitters: PubMed 19837936; PubMed 23164529.